The following is an entry in ClinVar:

NM_015656.2(KIF26A):c.116G>A (p.Gly39Glu)

Gene: KIF26A (kinesin family member 26A; plus strand). Cytogenetic location: 14q32.33.
Variant type: single nucleotide variant.
Coding change: c.116G>A on transcript NM_015656.2 (MANE Select); coding-DNA position 116, G replaced by A.
Protein change: p.Gly39Glu; replaces glycine 39 with glutamic acid.
Molecular consequence: missense variant.
Genome position (GRCh38, 1-based): chr14:104,139,116, G>A. VCF-style: chr14-104139116-G-A. GRCh37 (hg19) VCF-style: chr14-104605453-G-A.
Other names: short protein forms G39E.
Identifiers: ClinVar variation 3361742 (VCV003361742.2).
Genomic context (GRCh38, chr14:104,139,116, plus strand): 5'-GCCCGGCCCGCGAGCCGCCGCCGCTGCTGGAGGTGTCCCCCCGAAAGAGGCTACCCGCCG[G>A]GCCCGACCAGGACCCATGCGGCAGCCGCCCTGCTCCCGAAGGCGCCGGGGCCGGCCCAGA-3'
Protein context (NP_056471.1, residues 29-49): EVSPRKRLPA[Gly39Glu]PDQDPCGSRP

ClinVar aggregate classification (germline): Uncertain significance. Review status: criteria provided, multiple submitters, no conflicts (2 of 4 stars). 2 submissions from 2 submitters: Uncertain significance (2). Last evaluated 2024-07-30.

gnomAD v4.1: 4 of 1,484,530 alleles (0.00027%); highest among the groups gnomAD compares: Non-Finnish European, 0.00036%; no homozygotes.

Submissions (2):

Ambry Genetics
Classification: Uncertain significance. Last evaluated: 2024-07-30. Review status: criteria provided, single submitter. Criteria: Ambry Variant Classification Scheme 2023. Collection method: clinical testing. Allele origin: germline.

GeneDx
Classification: Uncertain significance. Last evaluated: 2023-08-03. Review status: criteria provided, single submitter. Criteria: GeneDx Variant Classification Process June 2021. Collection method: clinical testing. Allele origin: germline. Affected: yes.
Comment: Not observed at significant frequency in large population cohorts (gnomAD); In silico analysis supports that this missense variant does not alter protein structure/function; Has not been previously published as pathogenic or benign to our knowledge